The following is an entry in ClinVar:

ClinVar aggregate classification (germline): Uncertain significance. Review status: criteria provided, multiple submitters, no conflicts (2 of 4 stars). 2 submissions from 2 submitters: Uncertain significance (2). Last evaluated 2025-07-27.

Conditions:
Hereditary cancer-predisposing syndrome. Also called: Neoplastic Syndromes, Hereditary; Tumor predisposition; Hereditary Cancer Syndrome; Hereditary neoplastic syndrome. Identifiers: Orphanet 140162, MedGen C0027672, MeSH D009386, MONDO:0015356.
Hereditary pheochromocytoma and paraganglioma. Also called: Hereditary pheochromocytoma-paraganglioma; Hereditary paragangliomas and pheochromocytomas; Hereditary Paraganglioma-Pheochromocytoma Syndromes. Identifiers: Orphanet 29072, MedGen C4274332, MONDO:0017366.

gnomAD v4.1: 1 of 1,613,960 alleles (0.000062%); highest among the groups gnomAD compares: African/African-American, 0.0013%; no homozygotes.

Submissions (2):

Labcorp Genetics (formerly Invitae), Labcorp
Classification: Uncertain significance for Hereditary pheochromocytoma and paraganglioma. Last evaluated: 2025-07-27. Review status: criteria provided, single submitter. Criteria: Invitae Variant Classification Sherloc (09022015). Collection method: clinical testing. Allele origin: germline.
Comment: This sequence change replaces proline, which is neutral and non-polar, with glutamine, which is neutral and polar, at codon 118 of the TMEM127 protein (p.Pro118Gln). This variant is not present in population databases (gnomAD no frequency). This variant has not been reported in the literature in individuals affected with TMEM127-related conditions. ClinVar contains an entry for this variant (Variation ID: 1732440). An algorithm developed to predict the effect of missense changes on protein structure and function (PolyPhen-2) suggests that this variant is likely to be disruptive. In summary, the available evidence is currently insufficient to determine the role of this variant in disease. Therefore, it has been classified as a Variant of Uncertain Significance.

Ambry Genetics
Classification: Uncertain significance for Hereditary cancer-predisposing syndrome. Last evaluated: 2023-12-13. Review status: criteria provided, single submitter. Criteria: Ambry Variant Classification Scheme 2023. Collection method: clinical testing. Allele origin: germline.
Comment: The p.P118Q variant (also known as c.353C>A), located in coding exon 2 of the TMEM127 gene, results from a C to A substitution at nucleotide position 353. The proline at codon 118 is replaced by glutamine, an amino acid with similar properties. This amino acid position is highly conserved in available vertebrate species. In addition, this alteration is predicted to be deleterious by in silico analysis. Since supporting evidence is limited at this time, the clinical significance of this alteration remains unclear.

NM_017849.4(TMEM127):c.353C>A (p.Pro118Gln)

Gene: TMEM127 (transmembrane protein 127; minus strand). Cytogenetic location: 2q11.2.
Variant type: single nucleotide variant.
Coding change: c.353C>A on transcript NM_017849.4 (MANE Select); coding-DNA position 353, C replaced by A.
Protein change: p.Pro118Gln; replaces proline 118 with glutamine.
Molecular consequence: missense variant.
Genome position (GRCh38, 1-based): chr2:96,254,889, G>T on the plus strand (C>A on the coding strand, the complement: TMEM127 is on the minus strand). VCF-style: chr2-96254889-G-T. GRCh37 (hg19) VCF-style: chr2-96920627-G-T.
Other names: c.353C>A, p.Pro118Gln (NM_001193304.3); c.101C>A, p.Pro34Gln (NM_001407282.1, NM_001407283.1); short protein forms P118Q, P34Q.
Identifiers: ClinVar variation 1732440 (VCV001732440.5), dbSNP rs769359648, ClinGen allele CA347653358.